The following is an entry in ClinVar:

NM_007294.4(BRCA1):c.-49G>A

Genes: BRCA1 (BRCA1 DNA repair associated; minus strand), LOC111589215 (BRCA1 promoter region; plus strand). Cytogenetic location: 17q21.31.
Variant type: single nucleotide variant.
Coding change: c.-49G>A on transcript NM_007294.4 (MANE Select); 49 bases upstream of the start codon, G replaced by A.
Molecular consequence: 5 prime UTR variant. On other transcripts: non-coding transcript variant (1).
Genome position (GRCh38, 1-based): chr17:43,125,300, C>T on the plus strand (G>A on the coding strand, the complement: BRCA1 is on the minus strand). VCF-style: chr17-43125300-C-T. GRCh37 (hg19) VCF-style: chr17-41277317-C-T.
Other names: c.-130G>A (NM_007297.4); c.-43G>A (NM_007299.4); c.-49G>A (NM_007300.4).
Identifiers: ClinVar variation 388359 (VCV000388359.1), dbSNP rs1057523081, ClinGen allele CA16607651.

ClinVar aggregate classification (germline): Likely benign (1 of 4 stars; one submission).

Allele frequency attached by ClinVar (database versions not stated): gnomAD 0.00002; TOPMed 0.00001 and 0.00002.
gnomAD v4.1: 3 of 456,134 alleles (0.00066%); highest among the groups gnomAD compares: African/African-American, 0.006%; no homozygotes.

Submission:

GeneDx
Classification: Likely benign. Last evaluated: 2016-08-02. Review status: criteria provided, single submitter. Criteria: GeneDx Variant Classification (06012015). Collection method: clinical testing. Allele origin: germline. Affected: yes.
Comment: This variant is considered likely benign or benign based on one or more of the following criteria: it is a conservative change, it occurs at a poorly conserved position in the protein, it is predicted to be benign by multiple in silico algorithms, and/or has population frequency not consistent with disease.